The following is an entry in ClinVar:

ClinVar aggregate classification (germline): Pathogenic/Likely pathogenic. Review status: criteria provided, multiple submitters, no conflicts (2 of 4 stars). 7 submissions from 7 submitters: Pathogenic (6); Likely pathogenic (1). Last evaluated 2024-06-27.

Conditions:
Complex cortical dysplasia with other brain malformations 1. Identifiers: Orphanet 300570, MedGen C3808397, MONDO:0013541, OMIM 614039.
TUBB3-related disorder. Also called: TUBB3-related condition; TUBB3-related disorders.

Submissions (7):

Blueprint Genetics
Classification: Pathogenic for TUBB3-related disorders. Last evaluated: 2024-06-27. Review status: criteria provided, single submitter. Criteria: ACMG Guidelines, 2015. Collection method: clinical testing. Allele origin: de novo. Affected: yes. Observed: 3 variant alleles.

Labcorp Genetics (formerly Invitae), Labcorp
Classification: Pathogenic. Last evaluated: 2024-01-18. Review status: criteria provided, single submitter. Criteria: Invitae Variant Classification Sherloc (09022015). Collection method: clinical testing. Allele origin: germline.
Comment: This sequence change replaces serine, which is neutral and polar, with leucine, which is neutral and non-polar, at codon 230 of the TUBB3 protein (p.Ser230Leu). This variant is not present in population databases (gnomAD no frequency). This missense change has been observed in individual(s) with developmental delay associated with malformations of cortical development (PMID: 26739025; Invitae). In at least one individual the variant was observed to be de novo. ClinVar contains an entry for this variant (Variation ID: 280212). Advanced modeling of protein sequence and biophysical properties (such as structural, functional, and spatial information, amino acid conservation, physicochemical variation, residue mobility, and thermodynamic stability) performed at Invitae indicates that this missense variant is expected to disrupt TUBB3 protein function with a positive predictive value of 80%. For these reasons, this variant has been classified as Pathogenic.

Victorian Clinical Genetics Services, Murdoch Childrens Research Institute
Classification: Pathogenic for Complex cortical dysplasia with other brain malformations 1. Last evaluated: 2023-07-17. Review status: criteria provided, single submitter. Criteria: ACMG Guidelines, 2015. Collection method: clinical testing. Allele origin: germline. Inheritance: Autosomal dominant inheritance. Affected: yes.
Comment: Based on the classification scheme VCGS_Germline_v1.3.4, this variant is classified as Pathogenic. Following criteria are met: 0104 - Dominant negative is a known mechanism of disease in this gene and is associated with cortical dysplasia, complex, with other brain malformations 1 (MIM#614039) and fibrosis of extraocular muscles, congenital, 3A (MIM#600638) (PMID: 31219644). (I) 0107 - This gene is associated with autosomal dominant disease. (I) 0200 - Variant is predicted to result in a missense amino acid change from serine to leucine. (I) 0251 - This variant is heterozygous. (I) 0301 - Variant is absent from gnomAD (both v2 and v3). (SP) 0501 - Missense variant consistently predicted to be damaging by multiple in silico tools or highly conserved with a major amino acid change. (SP) 0603 - Missense variant in a region that is highly intolerant to missense variation (high constraint region in DECIPHER). (SP) 0705 - No comparable missense variants have previous evidence for pathogenicity. (I) 0801 - This variant has strong previous evidence of pathogenicity in unrelated individuals. This variant has been classified as pathogenic and likely pathogenic by clinical laboratories in ClinVar, and was observed as de novo in an individual with syndromic developmental delay in the literature (PMID: 26739025). This variant has also been classified as likely pathogenic in DECIPHER in an individual with syndromic developmental delay where it was observed as de novo, and in another individual with ptosis, hypertelorism and flexion contracture where it was inherited from their mosaic, unaffected father. (SP) 1007 - No published functional evidence has been identified for this variant. (I) 1208 - Inheritance information for this variant is not currently available in this individual. (I) Legend: (SP) - Supporting pathogenic, (I) - Information, (SB) - Supporting benign

GeneDx
Classification: Pathogenic. Last evaluated: 2023-05-16. Review status: criteria provided, single submitter. Criteria: GeneDx Variant Classification Process June 2021. Collection method: clinical testing. Allele origin: germline. Affected: yes.
Comment: Not observed at significant frequency in large population cohorts (gnomAD); The majority of missense variants in this gene are considered pathogenic (HGMD); In silico analysis supports that this missense variant has a deleterious effect on protein structure/function; This variant is associated with the following publications: (PMID: 32169460, 26739025, 31269740, 32573066, 34426522)

Baylor Genetics
Classification: Pathogenic for Complex cortical dysplasia with other brain malformations 1. Last evaluated: 2022-12-20. Review status: criteria provided, single submitter. Criteria: ACMG Guidelines, 2015. Collection method: clinical testing. Allele origin: unknown.

Women's Health and Genetics/Laboratory Corporation of America, LabCorp
Classification: Likely pathogenic for Complex cortical dysplasia with other brain malformations 1. Last evaluated: 2021-06-02. Review status: criteria provided, single submitter. Criteria: LabCorp Variant Classification Summary - May 2015. Collection method: clinical testing. Allele origin: germline.
Comment: Variant summary: TUBB3 c.689C>T (p.Ser230Leu) results in a non-conservative amino acid change in the encoded protein sequence. Five of five in-silico tools predict a damaging effect of the variant on protein function. The variant was absent in 251372 control chromosomes (gnomAD). The available data on variant occurrences in the general population are insufficient to allow any conclusion about variant significance. c.689C>T has been reported in the literature as de novo occurrence in an individual affected with severe developmental delay associated with MCD (malformations of cortical development) (Shimojima_2016) as well as in a non-epileptic patient with no MCD (Romaniello_2019). In addition, another de novo occurrence of this variant has been reported by one ClinVar submitter citing internal testing data (SCV000330112.5). To our knowledge, no experimental evidence demonstrating an impact on protein function has been reported. Three ClinVar submitters (evaluation after 2014) cite the variant as pathogenic/likely pathogenic. Based on the evidence outlined above, the variant was classified as likely pathogenic.

CeGaT Center for Human Genetics Tuebingen
Classification: Pathogenic. Last evaluated: 2020-09-01. Review status: criteria provided, single submitter. Criteria: CeGaT Center For Human Genetics Tuebingen Variant Classification Criteria Version 2. Collection method: clinical testing. Allele origin: germline. Affected: yes. Observed: 1 variant allele.

Literature cited by the submitters: PubMed 26739025 (cited by 3 submitters); PubMed 31219644 (cited by Victorian Clinical Genetics Services, Murdoch Childrens Research Institute); PubMed 31269740 (cited by Women's Health and Genetics/Laboratory Corporation of America, LabCorp).

NM_006086.4(TUBB3):c.689C>T (p.Ser230Leu)

Gene: TUBB3 (tubulin beta 3 class III; plus strand). Cytogenetic location: 16q24.3.
Variant type: single nucleotide variant.
Coding change: c.689C>T on transcript NM_006086.4 (MANE Select); coding-DNA position 689, C replaced by T.
Protein change: p.Ser230Leu; replaces serine 230 with leucine.
Molecular consequence: missense variant.
Genome position (GRCh38, 1-based): chr16:89,935,140, C>T. VCF-style: chr16-89935140-C-T. GRCh37 (hg19) VCF-style: chr16-90001548-C-T.
Other names: c.473C>T, p.Ser158Leu (NM_001197181.2); short protein forms S230L, S158L.
Identifiers: ClinVar variation 280212 (VCV000280212.53), dbSNP rs886041459, ClinGen allele CA10603568.